The following is an entry in ClinVar:

ClinVar aggregate classification (germline): Conflicting classifications of pathogenicity. Review status: criteria provided, conflicting classifications (1 of 4 stars). 13 submissions from 13 submitters: Uncertain significance (8); Likely benign (3). 2 of the submissions do not count toward it. Last evaluated 2026-01-20.

Conditions:
Hereditary cancer-predisposing syndrome. Also called: Tumor predisposition; Neoplastic Syndromes, Hereditary; Hereditary Cancer Syndrome; Hereditary neoplastic syndrome. Identifiers: Orphanet 140162, MedGen C0027672, MeSH D009386, MONDO:0015356.
BRCA1-related disorder. Also called: BRCA1-related condition.
Breast and/or ovarian cancer. Identifiers: MedGen CN221562.
Hereditary breast ovarian cancer syndrome. Also called: Hereditary breast and ovarian cancer syndrome (HBOC); Hereditary breast and ovarian cancer syndrome; Hereditary breast and ovarian cancer; Hereditary breast and/or ovarian cancer syndrome; Breast and ovarian cancer; BRCA1- and BRCA2-Associated Hereditary Breast and Ovarian Cancer. Identifiers: Orphanet 145, MedGen C0677776, MeSH D061325, MONDO:0003582. Disease mechanism: loss of function.
Breast-ovarian cancer, familial, susceptibility to, 1 (BROVCA1). Also called: OVARIAN CANCER, SUSCEPTIBILITY TO; BRCA1 Hereditary Breast and Ovarian Cancer. Identifiers: Orphanet 145, MedGen C2676676, MONDO:0011450, OMIM 604370. Disease mechanism: loss of function.

Allele frequency attached by ClinVar (database versions not stated): gnomAD 0.00001; gnomAD exomes 0.00001 and 0.00002; ExAC 0.00002; TOPMed 0.00011; 1000 Genomes Project 30x 0.00016; 1000 Genomes Project 0.00020.
gnomAD v4.1: 31 of 1,613,480 alleles (0.0019%); highest among the groups gnomAD compares: Admixed American, 0.005%; no homozygotes.

Submissions (13):

Labcorp Genetics (formerly Invitae), Labcorp
Classification: Uncertain significance for Hereditary breast ovarian cancer syndrome. Last evaluated: 2026-01-20. Review status: criteria provided, single submitter. Criteria: Invitae Variant Classification Sherloc (09022015). Collection method: clinical testing. Allele origin: germline.
Comment: This sequence change replaces isoleucine, which is neutral and non-polar, with threonine, which is neutral and polar, at codon 571 of the BRCA1 protein (p.Ile571Thr). This variant is present in population databases (rs80357159, gnomAD 0.003%). This missense change has been observed in individual(s) with breast and/or ovarian cancer or prostate cancer (PMID: 15726418, 20104584, 21520273, 22516946). ClinVar contains an entry for this variant (Variation ID: 54330). Invitae Evidence Modeling of protein sequence and biophysical properties (such as structural, functional, and spatial information, amino acid conservation, physicochemical variation, residue mobility, and thermodynamic stability) indicates that this missense variant is not expected to disrupt BRCA1 protein function with a negative predictive value of 80%. In summary, the available evidence is currently insufficient to determine the role of this variant in disease. Therefore, it has been classified as a Variant of Uncertain Significance.

PreventionGenetics, part of Exact Sciences
Classification: Uncertain significance for BRCA1-related condition. Last evaluated: 2025-12-22. Review status: criteria provided, single submitter. Criteria: ACMG Guidelines, 2015. Collection method: clinical testing. Allele origin: germline.
Comment: The BRCA1 c.1712T>C variant is predicted to result in the amino acid substitution p.Ile571Thr. This variant was reported in individuals with breast cancer (Table S2, Borg et al. 2010. PubMed ID: 20104584; Table 2, Diaz-Zabala et al. 2018. PubMed ID: 30400234), breast/ovarian cancer (McKean-Cowdin et al. 2005. PubMed ID: 15726418), and prostate cancer (Table S1, Leongamornlert et al. 2012. PubMed ID: 22516946).  This variant was also reported as uncertain in at least one control individual, who had a family history of cancer (supplementary table, Capanu et al. 2011. PubMed ID: 21520273). This variant is reported in 0.0029% of alleles in individuals of Latino descent in gnomAD and has conflicting interpretations in ClinVar regarding its pathogenicity, ranging from likely benign to a variant of uncertain significance (Variation ID: 54330). At this time, the clinical significance of this variant is uncertain due to the absence of conclusive functional and genetic evidence.

Quest Diagnostics Nichols Institute San Juan Capistrano
Classification: Uncertain significance. Last evaluated: 2025-09-30. Review status: criteria provided, single submitter. Criteria: Quest Diagnostics criteria. Collection method: clinical testing. Allele origin: unknown.
Comment: The BRCA1 c.1712T>C (p.Ile571Thr) variant has been reported in individuals and families with breast and/or ovarian cancer (PMID: 33471991 (2021), see also LOVD), 30400234 (2018), 20104584 (2010), 16267036 (2005), 15726418 (2005)), prostate cancer (PMID: 22516946 (2012)), and glioblastoma (PMID: 31959133 (2020)). This variant has also been observed in reportedly unaffected individuals (PMID: 15726418 (2005)). The frequency of this variant in the general population (Genome Aggregation Database) is uninformative in the assessment of its pathogenicity. Analysis of this variant using bioinformatics tools for the prediction of the effect of amino acid changes on protein structure and function yielded predictions that this variant is benign. Based on the available information, we are unable to determine the clinical significance of this variant.

Women's Health and Genetics/Laboratory Corporation of America, LabCorp
Classification: Uncertain significance. Last evaluated: 2025-08-04. Review status: criteria provided, single submitter. Criteria: LabCorp Variant Classification Summary - May 2015. Collection method: clinical testing. Allele origin: germline.
Comment: Variant summary: BRCA1 c.1712T>C (p.Ile571Thr) results in a non-conservative amino acid change in the encoded protein sequence. Algorithms developed to predict the effect of missense changes on protein structure and function are either unavailable or do not agree on the potential impact of this missense change. The variant allele was found at a frequency of 1.2e-05 in 250930 control chromosomes. The available data on variant occurrences in the general population are insufficient to allow any conclusion about variant significance. c.1712T>C has been reported in the literature in individuals affected with breast, ovarian, and prostate cancers without strong evidence for causality (e.g. Judkins_2005, McKean-Cowdin_2005, Borg_2010, Leongamornlert_2012, Diaz-Zabala_2018). These report(s) do not provide unequivocal conclusions about association of the variant with Hereditary Breast And Ovarian Cancer Syndrome. To our knowledge, no experimental evidence demonstrating an impact on protein function has been reported. The following publications have been ascertained in the context of this evaluation (PMID: 16267036, 15385441, 20104584, 15235020, 21520273, 22516946, 15726418, 25348012, 30400234). ClinVar contains an entry for this variant (Variation ID: 54330). Based on the evidence outlined above, the variant was classified as uncertain significance.

GeneDx
Classification: Uncertain significance. Last evaluated: 2025-06-05. Review status: criteria provided, single submitter. Criteria: GeneDx Variant Classification Process June 2021. Collection method: clinical testing. Allele origin: germline. Affected: yes.
Comment: Observed in individuals with breast or prostate cancer (PMID: 15726418, 20104584, 22516946, 30400234, 33471991); In silico analysis suggests that this missense variant does not alter protein structure/function; Not observed at significant frequency in large population cohorts (gnomAD); Also known as 1831T>C; This variant is associated with the following publications: (PMID: 16267036, 20104584, 15726418, 15235020, 22516946, 15385441, 30400234, 26295337, 31959133, 33471991, 15343273)

University of Washington Department of Laboratory Medicine, University of Washington
Classification: Likely benign for Hereditary cancer-predisposing syndrome. Last evaluated: 2023-03-23. Review status: criteria provided, single submitter. Criteria: Dines et al. (Genet Med. 2020). Collection method: curation. Allele origin: germline.
Comment: Missense variant in a coldspot region where missense variants are very unlikely to be pathogenic (PMID:31911673).

BRCA1 coldspot (exon 11 using historical exon numbering). Reclassification based on statistical prior probability

CHEO Genetics Diagnostic Laboratory, Children's Hospital of Eastern Ontario
Classification: Uncertain significance for Breast and/or ovarian cancer. Last evaluated: 2022-08-25. Review status: criteria provided, single submitter. Criteria: ACMG Guidelines, 2015. Collection method: clinical testing. Allele origin: germline.

Mendelics
Classification: Uncertain significance for Breast-ovarian cancer, familial, susceptibility to, 1. Last evaluated: 2019-05-28. Review status: criteria provided, single submitter. Criteria: Mendelics Assertion Criteria 2017. Collection method: clinical testing. Allele origin: unknown.

Ambry Genetics
Classification: Likely benign for Hereditary cancer-predisposing syndrome. Last evaluated: 2018-04-06. Review status: criteria provided, single submitter. Criteria: Ambry Variant Classification Scheme 2023. Collection method: clinical testing. Allele origin: germline.

Color Diagnostics, LLC DBA Color Health
Classification: Likely benign for Hereditary cancer-predisposing syndrome. Last evaluated: 2015-01-13. Review status: criteria provided, single submitter. Criteria: ACMG Guidelines, 2015. Collection method: clinical testing. Allele origin: germline.

Eurofins Ntd Llc (ga)
Classification: Uncertain significance. Last evaluated: 2014-10-02. Review status: criteria provided, single submitter. Criteria: EGL Classification Definitions 2015. Collection method: clinical testing. Allele origin: germline. Observed: 4 variant alleles, 4 heterozygotes.

Counsyl
Classification: Uncertain significance for Breast-ovarian cancer, familial, susceptibility to, 1. Last evaluated: 2017-08-08. Review status: no assertion criteria provided. Collection method: clinical testing. Allele origin: unknown. Not counted in ClinVar's aggregate classification.

Breast Cancer Information Core (BIC) (BRCA1)
Classification: Uncertain significance for Breast-ovarian cancer, familial 1. Last evaluated: 1997-11-14. Review status: no assertion criteria provided. Collection method: clinical testing. Allele origin: germline. Affected: yes. Observed: 2 variant alleles. Not counted in ClinVar's aggregate classification.

Literature cited by the submitters: PubMed 15726418 (cited by 6 submitters); PubMed 20104584 (cited by 4 submitters); PubMed 21520273 (cited by 4 submitters); PubMed 22516946 (cited by 4 submitters); PubMed 30400234 (cited by Quest Diagnostics Nichols Institute San Juan Capistrano and Women's Health and Genetics/Laboratory Corporation of America, LabCorp); PubMed 16267036 (cited by 3 submitters); PubMed 15235020 (cited by 4 submitters); PubMed 31959133 (cited by Quest Diagnostics Nichols Institute San Juan Capistrano); PubMed 33471991 (cited by Quest Diagnostics Nichols Institute San Juan Capistrano); PubMed 31911673 (cited by Quest Diagnostics Nichols Institute San Juan Capistrano); PubMed 26295337 (cited by Quest Diagnostics Nichols Institute San Juan Capistrano); PubMed 15385441 (cited by Women's Health and Genetics/Laboratory Corporation of America, LabCorp and Counsyl); PubMed 25348012 (cited by Women's Health and Genetics/Laboratory Corporation of America, LabCorp).

NM_007294.4(BRCA1):c.1712T>C (p.Ile571Thr)

Gene: BRCA1 (BRCA1 DNA repair associated; minus strand). Cytogenetic location: 17q21.31.
Variant type: single nucleotide variant.
Coding change: c.1712T>C on transcript NM_007294.4 (MANE Select); coding-DNA position 1712, T replaced by C.
Protein change: p.Ile571Thr; replaces isoleucine 571 with threonine.
Molecular consequence: missense variant. On other transcripts: intron variant (137).
Genome position (GRCh38, 1-based): chr17:43,093,819, A>G on the plus strand (T>C on the coding strand, the complement: BRCA1 is on the minus strand). VCF-style: chr17-43093819-A-G. GRCh37 (hg19) VCF-style: chr17-41245836-A-G.
Other names: c.1499T>C, p.Ile500Thr (NM_001407571.1, NM_001407853.1, NM_001407894.1 and 9 more transcripts); c.1712T>C, p.Ile571Thr (NM_001407581.1, NM_001407582.1, NM_001407583.1 and 30 more transcripts); c.1709T>C, p.Ile570Thr (NM_001407587.1, NM_001407590.1, NM_001407591.1 and 22 more transcripts); c.1703T>C, p.Ile568Thr (NM_001407646.1, NM_001407647.1); c.1589T>C, p.Ile530Thr (NM_001407648.1, NM_001407664.1, NM_001407665.1 and 19 more transcripts); c.1586T>C, p.Ile529Thr (NM_001407649.1, NM_001407670.1, NM_001407671.1 and 11 more transcripts); c.1634T>C, p.Ile545Thr (NM_001407653.1, NM_001407654.1, NM_001407655.1 and 4 more transcripts); c.1631T>C, p.Ile544Thr (NM_001407659.1, NM_001407660.1, NM_001407661.1 and 1 more transcripts); and 40 more; short protein forms I571T, I524T, I444T, I482T, I504T, I568T, I459T, I503T.
Identifiers: ClinVar variation 54330 (VCV000054330.55), dbSNP rs80357159, ClinGen allele CA001121.
Genomic context (GRCh38, chr17:43,093,819, plus strand): 5'-ATACTGCTGCTTATAGGTTCAGCTTTCGTTTTGAAAGCAGATTCTTTTTCGAGTGATTCT[A>G]TTGGGTTAGGATTTTTCTCATTCTGAATAGAATCACCTTTTGTTTTATTCTCATGACCAC-3'
Protein context (NP_009225.1, residues 561-581): SIQNEKNPNP[Ile571Thr]ESLEKESAFK